The following is an entry in ClinVar:

NM_000466.3(PEX1):c.1507A>G (p.Ile503Val)

Gene: PEX1 (peroxisomal biogenesis factor 1; minus strand). Cytogenetic location: 7q21.2.
Variant type: single nucleotide variant.
Coding change: c.1507A>G on transcript NM_000466.3 (MANE Select); coding-DNA position 1507, A replaced by G.
Protein change: p.Ile503Val; replaces isoleucine 503 with valine.
Molecular consequence: missense variant.
Genome position (GRCh38, 1-based): chr7:92,511,024, T>C on the plus strand (A>G on the coding strand, the complement: PEX1 is on the minus strand). VCF-style: chr7-92511024-T-C. GRCh37 (hg19) VCF-style: chr7-92140338-T-C.
Other names: c.1507A>G (NM_000466.2); c.1507A>G, p.Ile503Val (NM_001282677.2); c.883A>G, p.Ile295Val (NM_001282678.2); short protein forms I503V, I295V.
Identifiers: ClinVar variation 596048 (VCV000596048.7), dbSNP rs771520057, ClinGen allele CA4341382.

ClinVar aggregate classification (germline): Uncertain significance. Review status: criteria provided, multiple submitters, no conflicts (2 of 4 stars). 3 submissions from 3 submitters: Uncertain significance (3). Last evaluated 2025-01-23.

Conditions:
Zellweger spectrum disorders (ZS). Also called: Zellweger Spectrum Disorder; Zellweger Spectrum; Zellweger Spectrum Disorder (ZSD); Zellweger syndrome. Identifiers: Orphanet 912, MedGen C0043459, MONDO:0019609.
Inborn genetic diseases. Identifiers: MedGen C0950123, MeSH D030342.

Allele frequency attached by ClinVar (database versions not stated): gnomAD exomes below 0.00001 and 0.00001; ExAC 0.00001.
gnomAD v4.1: 5 of 1,556,894 alleles (0.00032%); highest among the groups gnomAD compares: Admixed American, 0.005%; no homozygotes.

Submissions (3):

Ambry Genetics
Classification: Uncertain significance for Inborn genetic diseases. Last evaluated: 2025-01-23. Review status: criteria provided, single submitter. Criteria: Ambry Variant Classification Scheme 2023. Collection method: clinical testing. Allele origin: germline.

Labcorp Genetics (formerly Invitae), Labcorp
Classification: Uncertain significance for Zellweger spectrum disorders. Last evaluated: 2022-05-19. Review status: criteria provided, single submitter. Criteria: Invitae Variant Classification Sherloc (09022015). Collection method: clinical testing. Allele origin: germline.
Comment: This sequence change replaces isoleucine, which is neutral and non-polar, with valine, which is neutral and non-polar, at codon 503 of the PEX1 protein (p.Ile503Val). This variant is present in population databases (rs771520057, gnomAD 0.006%). This variant has not been reported in the literature in individuals affected with PEX1-related conditions. ClinVar contains an entry for this variant (Variation ID: 596048). Advanced modeling of protein sequence and biophysical properties (such as structural, functional, and spatial information, amino acid conservation, physicochemical variation, residue mobility, and thermodynamic stability) performed at Invitae indicates that this missense variant is not expected to disrupt PEX1 protein function. In summary, the available evidence is currently insufficient to determine the role of this variant in disease. Therefore, it has been classified as a Variant of Uncertain Significance.

Eurofins Ntd Llc (ga)
Classification: Uncertain significance. Last evaluated: 2018-02-09. Review status: criteria provided, single submitter. Criteria: EGL ClinVar v180209 classification definitions. Collection method: clinical testing. Allele origin: germline. Observed: 1 variant allele, 1 heterozygote.